The following is an entry in ClinVar:

NM_000038.6(APC):c.3084T>C (p.Ser1028=)

Gene: APC (APC regulator of Wnt signaling pathway; plus strand). Cytogenetic location: 5q22.2.
Variant type: single nucleotide variant.
Coding change: c.3084T>C on transcript NM_000038.6 (MANE Select); coding-DNA position 3084, T replaced by C.
Protein change: p.Ser1028=; no amino-acid change (serine 1028 retained).
Molecular consequence: synonymous variant.
Genome position (GRCh38, 1-based): chr5:112,838,678, T>C. VCF-style: chr5-112838678-T-C. GRCh37 (hg19) VCF-style: chr5-112174375-T-C.
Other names: c.3084T>C, p.Ser1028= (NM_001127510.3, NM_001354895.2); c.3030T>C, p.Ser1010= (NM_001127511.3); c.3138T>C, p.Ser1046= (NM_001354896.2); c.3114T>C, p.Ser1038= (NM_001354897.2); c.3009T>C, p.Ser1003= (NM_001354898.2); c.3000T>C, p.Ser1000= (NM_001354899.2); c.2961T>C, p.Ser987= (NM_001354900.2); c.2907T>C, p.Ser969= (NM_001354901.2); and 5 more.
Identifiers: ClinVar variation 749004 (VCV000749004.13), dbSNP rs876660265, ClinGen allele CA445963166.

ClinVar aggregate classification (germline): Benign/Likely benign. Review status: criteria provided, multiple submitters, no conflicts (2 of 4 stars). 3 submissions from 3 submitters: Benign (1); Likely benign (2). Last evaluated 2025-02-05.

Conditions:
Familial adenomatous polyposis 1 (FAP1). Also called: FAMILIAL ADENOMATOUS POLYPOSIS 1, ATTENUATED; POLYPOSIS, ADENOMATOUS INTESTINAL. Identifiers: MedGen C2713442, MONDO:0021056, OMIM 175100. Disease mechanism: loss of function.
Hereditary cancer-predisposing syndrome. Also called: Tumor predisposition; Hereditary neoplastic syndrome; Neoplastic Syndromes, Hereditary; Hereditary Cancer Syndrome. Identifiers: Orphanet 140162, MedGen C0027672, MeSH D009386, MONDO:0015356.

Submissions (3):

Labcorp Genetics (formerly Invitae), Labcorp
Classification: Likely benign for Familial adenomatous polyposis 1. Last evaluated: 2025-02-05. Review status: criteria provided, single submitter. Criteria: Invitae Variant Classification Sherloc (09022015). Collection method: clinical testing. Allele origin: germline.

Myriad Genetics, Inc.
Classification: Benign for Familial adenomatous polyposis 1. Last evaluated: 2024-03-18. Review status: criteria provided, single submitter. Criteria: Myriad Autosomal Dominant, Autosomal Recessive and X-Linked Classification Criteria (2023). Collection method: clinical testing. Allele origin: unknown.
Comment: This variant is considered benign. This variant is a silent/synonymous amino acid change and it is not expected to impact splicing.

Ambry Genetics
Classification: Likely benign for Hereditary cancer-predisposing syndrome. Last evaluated: 2021-03-06. Review status: criteria provided, single submitter. Criteria: Ambry Variant Classification Scheme 2023. Collection method: clinical testing. Allele origin: germline.